The following is an entry in ClinVar:

NM_032603.5(LOXL3):c.314-3C>T

Genes: DOK1 (docking protein 1; plus strand), LOXL3 (lysyl oxidase like 3; minus strand). Cytogenetic location: 2p13.1.
Variant type: single nucleotide variant.
Coding change: c.314-3C>T on transcript NM_032603.5 (MANE Select); 3 bases into the intron before coding-DNA position 314, C replaced by T.
Molecular consequence: intron variant.
Genome position (GRCh38, 1-based): chr2:74,550,351, G>A on the plus strand (C>T on the coding strand, the complement: LOXL3 is on the minus strand). VCF-style: chr2-74550351-G-A. GRCh37 (hg19) VCF-style: chr2-74777478-G-A.
Other names: c.314-3C>T (NM_001289164.3); c.-358+1179G>A (NM_001197260.2).
Identifiers: ClinVar variation 1408489 (VCV001408489.44), dbSNP rs143795234, ClinGen allele CA1729208.

ClinVar aggregate classification (germline): Uncertain significance. Review status: criteria provided, single submitter (1 of 4 stars). 2 submissions from 2 submitters: Uncertain significance (1). 1 of the submissions does not count toward it. Last evaluated 2021-10-21.

Conditions:
LOXL3-related disorder. Also called: LOXL3-related condition.

Allele frequency attached by ClinVar (database versions not stated): ExAC 0.00010; gnomAD 0.00005 and 0.00002; 1000 Genomes Project 0.00060; TOPMed 0.00004; 1000 Genomes Project 30x 0.00078; gnomAD exomes 0.00012.
gnomAD v4.1: 36 of 1,612,768 alleles (0.0022%); highest among the groups gnomAD compares: East Asian, 0.076%; 1 homozygote.

Submissions (2):

Labcorp Genetics (formerly Invitae), Labcorp
Classification: Uncertain significance. Last evaluated: 2021-10-21. Review status: criteria provided, single submitter. Criteria: Invitae Variant Classification Sherloc (09022015). Collection method: clinical testing. Allele origin: germline.
Comment: This sequence change falls in intron 2 of the LOXL3 gene. It does not directly change the encoded amino acid sequence of the LOXL3 protein. It affects a nucleotide within the consensus splice site. This variant is present in population databases (rs143795234, ExAC 0.1%). This variant has not been reported in the literature in individuals affected with LOXL3-related conditions. Variants that disrupt the consensus splice site are a relatively common cause of aberrant splicing (PMID: 17576681, 9536098). Algorithms developed to predict the effect of sequence changes on RNA splicing suggest that this variant is not likely to affect RNA splicing. In summary, the available evidence is currently insufficient to determine the role of this variant in disease. Therefore, it has been classified as a Variant of Uncertain Significance.

PreventionGenetics, part of Exact Sciences
Classification: Likely benign for LOXL3-related condition. Last evaluated: 2019-11-16. Review status: no assertion criteria provided. Collection method: clinical testing. Allele origin: germline. Not counted in ClinVar's aggregate classification.
Comment: This variant is classified as likely benign based on ACMG/AMP sequence variant interpretation guidelines (Richards et al. 2015 PMID: 25741868, with internal and published modifications).

Literature cited by the submitters: PubMed 17576681 (cited by Labcorp Genetics (formerly Invitae), Labcorp); PubMed 9536098 (cited by Labcorp Genetics (formerly Invitae), Labcorp).